The following is an entry in ClinVar:

NM_015047.3(EMC1):c.1621G>A (p.Ala541Thr)

Genes: EMC1 (ER membrane protein complex subunit 1; minus strand), EMC1-AS1 (EMC1 antisense RNA 1; plus strand). Cytogenetic location: 1p36.13.
Variant type: single nucleotide variant.
Coding change: c.1621G>A on transcript NM_015047.3 (MANE Select); coding-DNA position 1621, G replaced by A.
Protein change: p.Ala541Thr; replaces alanine 541 with threonine.
Molecular consequence: missense variant.
Genome position (GRCh38, 1-based): chr1:19,232,947, C>T on the plus strand (G>A on the coding strand, the complement: EMC1 is on the minus strand). VCF-style: chr1-19232947-C-T. GRCh37 (hg19) VCF-style: chr1-19559441-C-T.
Other names: c.1618G>A, p.Ala540Thr (NM_001271427.2, NM_001271428.2); c.1555G>A, p.Ala519Thr (NM_001271429.2); c.1630G>A, p.Ala544Thr (NM_001375820.1); c.1627G>A, p.Ala543Thr (NM_001375821.1); short protein forms A519T, A543T, A541T, A540T, A544T.
Identifiers: ClinVar variation 968041 (VCV000968041.9), dbSNP rs200921330, ClinGen allele CA652544.

ClinVar aggregate classification (germline): Uncertain significance (1 of 4 stars; one submission).

Allele frequency attached by ClinVar (database versions not stated): ExAC 0.00002; gnomAD exomes 0.00003.
gnomAD v4.1: 10 of 1,614,072 alleles (0.00062%); highest among the groups gnomAD compares: East Asian, 0.022%; no homozygotes.

Submission:

Labcorp Genetics (formerly Invitae), Labcorp
Classification: Uncertain significance. Last evaluated: 2024-12-05. Review status: criteria provided, single submitter. Criteria: Invitae Variant Classification Sherloc (09022015). Collection method: clinical testing. Allele origin: germline.
Comment: This sequence change replaces alanine, which is neutral and non-polar, with threonine, which is neutral and polar, at codon 541 of the EMC1 protein (p.Ala541Thr). This variant is present in population databases (rs200921330, gnomAD 0.05%). This variant has not been reported in the literature in individuals affected with EMC1-related conditions. ClinVar contains an entry for this variant (Variation ID: 968041). Invitae Evidence Modeling of protein sequence and biophysical properties (such as structural, functional, and spatial information, amino acid conservation, physicochemical variation, residue mobility, and thermodynamic stability) indicates that this missense variant is not expected to disrupt EMC1 protein function with a negative predictive value of 80%. In summary, the available evidence is currently insufficient to determine the role of this variant in disease. Therefore, it has been classified as a Variant of Uncertain Significance.